The following is an entry in ClinVar:

NM_018489.3(ASH1L):c.398A>G (p.Asn133Ser)

Gene: ASH1L (ASH1 like histone lysine methyltransferase; minus strand). Cytogenetic location: 1q22.
Variant type: single nucleotide variant.
Coding change: c.398A>G on transcript NM_018489.3 (MANE Select); coding-DNA position 398, A replaced by G.
Protein change: p.Asn133Ser; replaces asparagine 133 with serine.
Molecular consequence: missense variant.
Genome position (GRCh38, 1-based): chr1:155,521,122, T>C on the plus strand (A>G on the coding strand, the complement: ASH1L is on the minus strand). VCF-style: chr1-155521122-T-C. GRCh37 (hg19) VCF-style: chr1-155490913-T-C.
Other names: c.398A>G, p.Asn133Ser (NM_001366177.2); short protein forms N133S.
Identifiers: ClinVar variation 1805808 (VCV001805808.3), dbSNP rs1238441171, ClinGen allele CA342712767.

ClinVar aggregate classification (germline): Uncertain significance. Review status: criteria provided, single submitter (1 of 4 stars). 2 submissions from 2 submitters: Uncertain significance (1). 1 of the submissions does not count toward it. Last evaluated 2020-05-21.

Conditions:
Intellectual developmental disorder, autosomal dominant 52. Also called: Intellectual disability, autosomal dominant 52; Mental retardation, autosomal dominant 52. Identifiers: MedGen C4540478, MONDO:0030918, OMIM 617796.
ASH1L-related disorder. Also called: ASH1L-related condition.

Allele frequency attached by ClinVar (database versions not stated): TOPMed below 0.00001; gnomAD 0.00001; gnomAD exomes below 0.00001.

Submissions (2):

Victorian Clinical Genetics Services, Murdoch Childrens Research Institute
Classification: Uncertain significance for Intellectual developmental disorder, autosomal dominant 52. Last evaluated: 2020-05-21. Review status: criteria provided, single submitter. Criteria: ACMG Guidelines, 2015. Collection method: clinical testing. Allele origin: germline. Inheritance: Autosomal dominant inheritance.
Comment: A heterozygous missense variant was identified, NM_018489.2(ASH1L):c.398A>G in exon 2 of 28 of the ASH1L gene. This substitution is predicted to create a minor amino acid change from an asparagine to a serine at position 133 of the protein; NP_060959.2(ASH1L):p.(Asn133Ser). The asparagine at this position has low conservation (100 vertebrates, UCSC), and is not situated in a known functional domain (NCBI, PDB). In silico software predicts this variant to be tolerated (PolyPhen2, SIFT, CADD, Mutation Taster). The variant is not present in the gnomAD population database, and has not previously been reported in clinical cases. Based on information available at the time of curation, this variant has been classified as a VUS with LOW CLINICAL RELEVANCE. Legend: (P) - Pathogenic, (N) - Neutral, (B) - Benign

PreventionGenetics, part of Exact Sciences
Classification: Uncertain significance for ASH1L-related condition. Last evaluated: 2024-06-03. Review status: no assertion criteria provided. Collection method: clinical testing. Allele origin: germline. Not counted in ClinVar's aggregate classification.
Comment: The ASH1L c.398A>G variant is predicted to result in the amino acid substitution p.Asn133Ser. To our knowledge, this variant has not been reported in the literature or in a large population database, indicating this variant is rare. At this time, the clinical significance of this variant is uncertain due to the absence of conclusive functional and genetic evidence.